The following is an entry in ClinVar:

ClinVar aggregate classification (germline): Uncertain significance (1 of 4 stars; one submission).

Submission:

Labcorp Genetics (formerly Invitae), Labcorp
Classification: Uncertain significance. Last evaluated: 2025-08-03. Review status: criteria provided, single submitter. Criteria: Invitae Variant Classification Sherloc (09022015). Collection method: clinical testing. Allele origin: germline.
Comment: This sequence change replaces proline, which is neutral and non-polar, with alanine, which is neutral and non-polar, at codon 1459 of the EYS protein (p.Pro1459Ala). Information on the frequency of this variant in the gnomAD database is not available, as this variant may be reported differently in the database. This variant has not been reported in the literature in individuals affected with EYS-related conditions. Experimental studies and prediction algorithms are not available or were not evaluated, and the functional significance of this variant is currently unknown. In summary, the available evidence is currently insufficient to determine the role of this variant in disease. Therefore, it has been classified as a Variant of Uncertain Significance.

NM_001142800.2(EYS):c.4374_4375delinsCG (p.Pro1459Ala)

Gene: EYS (EGF-like photoreceptor maintenance factor; minus strand). Cytogenetic location: 6q12.
Variant type: Indel.
Coding change: c.4374_4375delinsCG on transcript NM_001142800.2 (MANE Select); coding-DNA positions 4374 to 4375, TC replaced by CG.
Protein change: p.Pro1459Ala; replaces proline 1459 with alanine.
Molecular consequence: missense variant.
Genome position (GRCh38, 1-based): chr6:64,591,492-64,591,493, GA replaced by CG on the plus strand (TC replaced by CG on the coding strand, the reverse complement: EYS is on the minus strand). VCF-style: chr6-64591492-GA-CG. GRCh37 (hg19) VCF-style: chr6-65301385-GA-CG.
Other names: c.4374_4375delinsCG, p.Pro1459Ala (NM_001292009.2); short protein forms P1459A.
Identifiers: ClinVar variation 4724194 (VCV004724194.1).